The following is an entry in ClinVar:

ClinVar aggregate classification (germline): Uncertain significance (1 of 4 stars; one submission).

Submission:

Labcorp Genetics (formerly Invitae), Labcorp
Classification: Uncertain significance. Last evaluated: 2023-05-09. Review status: criteria provided, single submitter. Criteria: Invitae Variant Classification Sherloc (09022015). Collection method: clinical testing. Allele origin: germline.
Comment: This sequence change replaces glutamic acid, which is acidic and polar, with alanine, which is neutral and non-polar, at codon 560 of the ITGB3 protein (p.Glu560Ala). This variant is not present in population databases (gnomAD no frequency). This variant has not been reported in the literature in individuals affected with ITGB3-related conditions. Advanced modeling of protein sequence and biophysical properties (such as structural, functional, and spatial information, amino acid conservation, physicochemical variation, residue mobility, and thermodynamic stability) performed at Invitae indicates that this missense variant is not expected to disrupt ITGB3 protein function. In summary, the available evidence is currently insufficient to determine the role of this variant in disease. Therefore, it has been classified as a Variant of Uncertain Significance.

NM_000212.3(ITGB3):c.1679A>C (p.Glu560Ala)

Gene: ITGB3 (integrin subunit beta 3; plus strand). Cytogenetic location: 17q21.32.
Variant type: single nucleotide variant.
Coding change: c.1679A>C on transcript NM_000212.3 (MANE Select); coding-DNA position 1679, A replaced by C.
Protein change: p.Glu560Ala; replaces glutamic acid 560 with alanine.
Molecular consequence: missense variant.
Genome position (GRCh38, 1-based): chr17:47,292,557, A>C. VCF-style: chr17-47292557-A-C. GRCh37 (hg19) VCF-style: chr17-45369923-A-C.
Other names: short protein forms E560A.
Identifiers: ClinVar variation 2847969 (VCV002847969.3), dbSNP rs2065131447, ClinGen allele CA400030343.
Genomic context (GRCh38, chr17:47,292,557, plus strand): 5'-GCAAGATCACGGGCAAGTACTGCGAGTGTGACGACTTCTCCTGTGTCCGCTACAAGGGGG[A>C]GATGTGCTCAGGTGAGGAGAACTGCAGGGCCCCCTGTCCTGGAACCCACACCCCCTCATA-3'
Protein context (NP_000203.2, residues 550-570): DDFSCVRYKG[Glu560Ala]MCSGHGQCSC